The following is an entry in ClinVar:

NM_014225.6(PPP2R1A):c.1671G>C (p.Gln557His)

Gene: PPP2R1A (protein phosphatase 2 scaffold subunit Aalpha; plus strand). Cytogenetic location: 19q13.41.
Variant type: single nucleotide variant.
Coding change: c.1671G>C on transcript NM_014225.6 (MANE Select); coding-DNA position 1671, G replaced by C.
Protein change: p.Gln557His; replaces glutamine 557 with histidine.
Molecular consequence: missense variant. On other transcripts: non-coding transcript variant (1).
Genome position (GRCh38, 1-based): chr19:52,225,726, G>C. VCF-style: chr19-52225726-G-C. GRCh37 (hg19) VCF-style: chr19-52728979-G-C.
Other names: c.1134G>C, p.Gln378His (NM_001363656.2); short protein forms Q378H, Q557H.
Identifiers: ClinVar variation 2229561 (VCV002229561.5), dbSNP rs767632211, ClinGen allele CA9621663.

ClinVar aggregate classification (germline): Uncertain significance. Review status: criteria provided, multiple submitters, no conflicts (2 of 4 stars). 2 submissions from 2 submitters: Uncertain significance (2). Last evaluated 2025-03-19.

Conditions:
Inborn genetic diseases. Identifiers: MedGen C0950123, MeSH D030342.

Allele frequency attached by ClinVar (database versions not stated): ExAC 0.00001.
gnomAD v4.1: 40 of 1,614,030 alleles (0.0025%); highest among the groups gnomAD compares: Non-Finnish European, 0.0034%; no homozygotes.

Submissions (2):

Labcorp Genetics (formerly Invitae), Labcorp
Classification: Uncertain significance. Last evaluated: 2025-03-19. Review status: criteria provided, single submitter. Criteria: Invitae Variant Classification Sherloc (09022015). Collection method: clinical testing. Allele origin: germline.
Comment: This sequence change replaces glutamine, which is neutral and polar, with histidine, which is basic and polar, at codon 557 of the PPP2R1A protein (p.Gln557His). This variant is present in population databases (rs767632211, gnomAD 0.002%). This variant has not been reported in the literature in individuals affected with PPP2R1A-related conditions. ClinVar contains an entry for this variant (Variation ID: 2229561). Invitae Evidence Modeling of protein sequence and biophysical properties (such as structural, functional, and spatial information, amino acid conservation, physicochemical variation, residue mobility, and thermodynamic stability) indicates that this missense variant is not expected to disrupt PPP2R1A protein function with a negative predictive value of 80%. In summary, the available evidence is currently insufficient to determine the role of this variant in disease. Therefore, it has been classified as a Variant of Uncertain Significance.

Ambry Genetics
Classification: Uncertain significance for Inborn genetic diseases. Last evaluated: 2022-11-17. Review status: criteria provided, single submitter. Criteria: Ambry Variant Classification Scheme 2023. Collection method: clinical testing. Allele origin: germline.